The following is an entry in ClinVar:

ClinVar aggregate classification (germline): Conflicting classifications of pathogenicity. Review status: criteria provided, conflicting classifications (1 of 4 stars). 7 submissions from 7 submitters: Uncertain significance (4); Likely benign (2). 1 of the submissions does not count toward it. Last evaluated 2026-01-24.

Conditions:
Rothmund-Thomson syndrome type 2 (RTS2). Identifiers: Orphanet 221016, MedGen C5203410, MONDO:0016369, OMIM 268400.
Baller-Gerold syndrome (BGS). Also called: CRANIOSYNOSTOSIS WITH RADIAL DEFECTS. Identifiers: Orphanet 1225, MedGen C0265308, MONDO:0009039, OMIM 218600.
Rapadilino syndrome. Identifiers: Orphanet 3021, MedGen C1849453, MONDO:0009955, OMIM 266280.
Rothmund-Thomson syndrome (RTS). Also called: Poikiloderma Congenitale; Poikiloderma of Rothmund-Thomson. Identifiers: Orphanet 2909, MedGen C0032339, MONDO:0010002.

Allele frequency attached by ClinVar (database versions not stated): gnomAD exomes 0.00004 and 0.00008; ExAC 0.00011; TOPMed 0.00028; ESP Exome Variant Server 0.00033.
gnomAD v4.1: 96 of 1,612,824 alleles (0.006%); highest among the groups gnomAD compares: African/African-American, 0.088%; no homozygotes.

Submissions (7):

Labcorp Genetics (formerly Invitae), Labcorp
Classification: Likely benign for Baller-Gerold syndrome. Last evaluated: 2026-01-24. Review status: criteria provided, single submitter. Criteria: Invitae Variant Classification Sherloc (09022015). Collection method: clinical testing. Allele origin: germline.

Blueprint Genetics
Classification: Likely benign. Last evaluated: 2024-08-19. Review status: criteria provided, single submitter. Criteria: ACMG Guidelines, 2015. Collection method: clinical testing. Allele origin: germline.

Institute for Clinical Genetics, University Hospital TU Dresden, University Hospital TU Dresden
Classification: Uncertain significance. Last evaluated: 2021-11-03. Review status: criteria provided, single submitter. Criteria: ACMG Guidelines, 2015. Collection method: clinical testing. Allele origin: germline.

St. Jude Molecular Pathology, St. Jude Children's Research Hospital
Classification: Uncertain significance for Rothmund-Thomson syndrome type 2. Last evaluated: 2021-10-12. Review status: criteria provided, single submitter. Criteria: St. Jude Assertion Criteria 2020. Collection method: clinical testing. Allele origin: germline.
Comment: The RECQL4 c.1151G>A (p.Arg384Gln) missense change has a maximum subpopulation frequency of 0.096% in gnomAD v2.1.1. In silico tools predict a benign effect of this variant on protein function (BP4), but to our knowledge these predictions have not been confirmed by functional assays. To our knowledge, this variant has not been reported in individuals with RECQL4-associated disorders. In summary, this variant meets criteria to be classified as of uncertain significance based on the ACMG/AMP criteria: BP4.

Fulgent Genetics
Classification: Uncertain significance for Baller-Gerold syndrome; Rapadilino syndrome; Rothmund-Thomson syndrome type 2. Last evaluated: 2018-10-31. Review status: criteria provided, single submitter. Criteria: ACMG Guidelines, 2015. Collection method: clinical testing. Allele origin: unknown.

Eurofins Ntd Llc (ga)
Classification: Uncertain significance. Last evaluated: 2014-12-16. Review status: criteria provided, single submitter. Criteria: EGL Classification Definitions 2015. Collection method: clinical testing. Allele origin: germline. Observed: 1 variant allele, 1 heterozygote.

ITMI
No classification provided. Condition: AllHighlyPenetrant. Last evaluated: 2013-09-19. Review status: no classification provided. Collection method: reference population. Allele origin: germline. Not counted in ClinVar's aggregate classification.
Comment: Please see associated publication for description of ethnicities

Literature cited by the submitters: PubMed 24728327 (cited by ITMI).

NM_004260.4(RECQL4):c.1151G>A (p.Arg384Gln)

Gene: RECQL4 (RecQ like helicase 4; minus strand). Cytogenetic location: 8q24.3.
Variant type: single nucleotide variant.
Coding change: c.1151G>A on transcript NM_004260.4 (MANE Select); coding-DNA position 1151, G replaced by A.
Protein change: p.Arg384Gln; replaces arginine 384 with glutamine.
Molecular consequence: missense variant.
Genome position (GRCh38, 1-based): chr8:144,515,871, C>T on the plus strand (G>A on the coding strand, the complement: RECQL4 is on the minus strand). VCF-style: chr8-144515871-C-T. GRCh37 (hg19) VCF-style: chr8-145741255-C-T.
Other names: short protein forms R384Q.
Identifiers: ClinVar variation 135170 (VCV000135170.19), dbSNP rs376045624, ClinGen allele CA161896.